The following is an entry in ClinVar:

NM_006766.5(KAT6A):c.3955G>A (p.Glu1319Lys)

Gene: KAT6A (lysine acetyltransferase 6A; minus strand). Cytogenetic location: 8p11.21.
Variant type: single nucleotide variant.
Coding change: c.3955G>A on transcript NM_006766.5 (MANE Select); coding-DNA position 3955, G replaced by A.
Protein change: p.Glu1319Lys; replaces glutamic acid 1319 with lysine.
Molecular consequence: missense variant.
Genome position (GRCh38, 1-based): chr8:41,934,265, C>T on the plus strand (G>A on the coding strand, the complement: KAT6A is on the minus strand). VCF-style: chr8-41934265-C-T. GRCh37 (hg19) VCF-style: chr8-41791783-C-T.
Other names: short protein forms E1319K.
Identifiers: ClinVar variation 1957676 (VCV001957676.5), dbSNP rs764302735, ClinGen allele CA371067363.

ClinVar aggregate classification (germline): Uncertain significance (1 of 4 stars; one submission).

Allele frequency attached by ClinVar (database versions not stated): gnomAD exomes below 0.00001.
gnomAD v4.1: 1 of 1,614,188 alleles (0.000062%); highest among the groups gnomAD compares: Non-Finnish European, 0.000085%; no homozygotes.

Submission:

Labcorp Genetics (formerly Invitae), Labcorp
Classification: Uncertain significance. Last evaluated: 2025-10-21. Review status: criteria provided, single submitter. Criteria: Invitae Variant Classification Sherloc (09022015). Collection method: clinical testing. Allele origin: germline.
Comment: This sequence change replaces glutamic acid, which is acidic and polar, with lysine, which is basic and polar, at codon 1319 of the KAT6A protein (p.Glu1319Lys). This variant is not present in population databases (gnomAD no frequency). This variant has not been reported in the literature in individuals affected with KAT6A-related conditions. ClinVar contains an entry for this variant (Variation ID: 1957676). Invitae Evidence Modeling of protein sequence and biophysical properties (such as structural, functional, and spatial information, amino acid conservation, physicochemical variation, residue mobility, and thermodynamic stability) indicates that this missense variant is not expected to disrupt KAT6A protein function with a negative predictive value of 95%. In summary, the available evidence is currently insufficient to determine the role of this variant in disease. Therefore, it has been classified as a Variant of Uncertain Significance.